The following is an entry in ClinVar:

NM_000535.7(PMS2):c.2112C>T (p.Asp704=)

Gene: PMS2 (PMS1 homolog 2, mismatch repair system component; minus strand). Cytogenetic location: 7p22.1.
Variant type: single nucleotide variant.
Coding change: c.2112C>T on transcript NM_000535.7 (MANE Select); coding-DNA position 2112, C replaced by T.
Protein change: p.Asp704=; no amino-acid change (aspartic acid 704 retained).
Molecular consequence: synonymous variant. On other transcripts: non-coding transcript variant (1).
Genome position (GRCh38, 1-based): chr7:5,982,886, G>A on the plus strand (C>T on the coding strand, the complement: PMS2 is on the minus strand). VCF-style: chr7-5982886-G-A. GRCh37 (hg19) VCF-style: chr7-6022517-G-A.
Other names: c.1707C>T, p.Asp569= (NM_001322003.2, NM_001322004.2, NM_001322005.2 and 1 more transcripts); c.1956C>T, p.Asp652= (NM_001322006.2); c.1794C>T, p.Asp598= (NM_001322007.2, NM_001322008.2); c.1551C>T, p.Asp517= (NM_001322010.2); c.1179C>T, p.Asp393= (NM_001322011.2, NM_001322012.2); c.1539C>T, p.Asp513= (NM_001322013.2); c.2112C>T, p.Asp704= (NM_001322014.2); c.1803C>T, p.Asp601= (NM_001322015.2).
Identifiers: ClinVar variation 187369 (VCV000187369.21), dbSNP rs764735061, ClinGen allele CA010846.

ClinVar aggregate classification (germline): Benign/Likely benign. Review status: criteria provided, multiple submitters, no conflicts (2 of 4 stars). 7 submissions from 7 submitters: Benign (1); Likely benign (6). Last evaluated 2026-01-26.

Conditions:
Hereditary nonpolyposis colorectal neoplasms. Identifiers: MedGen C0009405, MeSH D003123.
Hereditary cancer-predisposing syndrome. Also called: Tumor predisposition; Neoplastic Syndromes, Hereditary; Hereditary neoplastic syndrome; Hereditary Cancer Syndrome. Identifiers: Orphanet 140162, MedGen C0027672, MeSH D009386, MONDO:0015356.
Lynch syndrome 4 (LYNCH4). Also called: Colorectal cancer, hereditary nonpolyposis, type 4; Hereditary non-polyposis colorectal cancer, type 4. Identifiers: Orphanet 144, MedGen C1838333, MONDO:0013699, OMIM 614337. Disease mechanism: loss of function.

Allele frequency attached by ClinVar (database versions not stated): gnomAD 0.00001; gnomAD exomes 0.00001; ExAC 0.00003.

Submissions (7):

Labcorp Genetics (formerly Invitae), Labcorp
Classification: Likely benign for Hereditary nonpolyposis colorectal neoplasms. Last evaluated: 2026-01-26. Review status: criteria provided, single submitter. Criteria: Invitae Variant Classification Sherloc (09022015). Collection method: clinical testing. Allele origin: germline.

Quest Diagnostics Nichols Institute San Juan Capistrano
Classification: Likely benign. Last evaluated: 2025-03-05. Review status: criteria provided, single submitter. Criteria: Quest Diagnostics criteria. Collection method: clinical testing. Allele origin: unknown.

Myriad Genetics, Inc.
Classification: Benign for Lynch syndrome 4. Last evaluated: 2025-02-03. Review status: criteria provided, single submitter. Criteria: Myriad Autosomal Dominant, Autosomal Recessive and X-Linked Classification Criteria (2023). Collection method: clinical testing. Allele origin: unknown.
Comment: This variant is considered benign. This variant is a silent/synonymous amino acid change and it is not expected to impact splicing.

Blueprint Genetics
Classification: Likely benign. Last evaluated: 2024-10-07. Review status: criteria provided, single submitter. Criteria: ACMG Guidelines, 2015. Collection method: clinical testing. Allele origin: germline.

Color Diagnostics, LLC DBA Color Health
Classification: Likely benign for Hereditary cancer-predisposing syndrome. Last evaluated: 2022-11-07. Review status: criteria provided, single submitter. Criteria: ACMG Guidelines, 2015. Collection method: clinical testing. Allele origin: germline.

Women's Health and Genetics/Laboratory Corporation of America, LabCorp
Classification: Likely benign. Last evaluated: 2019-08-29. Review status: criteria provided, single submitter. Criteria: LabCorp Variant Classification Summary - May 2015. Collection method: clinical testing. Allele origin: germline.

Ambry Genetics
Classification: Likely benign for Hereditary cancer-predisposing syndrome. Last evaluated: 2014-12-09. Review status: criteria provided, single submitter. Criteria: Ambry Variant Classification Scheme 2023. Collection method: clinical testing. Allele origin: germline.